The following is an entry in ClinVar:

NC_012920.1(MT-TT):m.15913C>T

Gene: MT-TT (mitochondrially encoded tRNA threonine; plus strand).
Variant type: single nucleotide variant.
Genome position: chrM-15913-C-T.
Identifiers: ClinVar variation 690231 (VCV000690231.1), dbSNP rs1603225584, ClinGen allele CA913175185.

ClinVar aggregate classification (germline): Benign (1 of 4 stars; one submission).

Conditions:
MELAS syndrome (MELAS). Also called: Juvenile myopathy, encephalopathy, lactic acidosis, stroke. Identifiers: Orphanet 550, MedGen C0162671, MONDO:0010789, OMIM 540000.

Submission:

Wong Mito Lab, Molecular and Human Genetics, Baylor College of Medicine
Classification: Benign for MELAS syndrome. Last evaluated: 2019-07-12. Review status: criteria provided, single submitter. Criteria: Modified ACMG Guidelines (Unpublished). Collection method: clinical testing. Allele origin: germline.
Comment: The NC_012920.1:m.15913C>T variant in MT-TT gene is interpreted to be a Benign variant based on the modified ACMG guidelines (unpublished). This variant meets the following evidence codes reported in the guidelines: BS1, BS2, BP4

Literature cited by the submitters: PubMed 31965079.